The following is an entry in ClinVar:

NM_006514.4(SCN10A):c.5734G>T (p.Ala1912Ser)

Gene: SCN10A (sodium voltage-gated channel alpha subunit 10; minus strand). Cytogenetic location: 3p22.2.
Variant type: single nucleotide variant.
Coding change: c.5734G>T on transcript NM_006514.4 (MANE Select); coding-DNA position 5734, G replaced by T.
Protein change: p.Ala1912Ser; replaces alanine 1912 with serine.
Molecular consequence: missense variant.
Genome position (GRCh38, 1-based): chr3:38,697,486, C>A on the plus strand (G>T on the coding strand, the complement: SCN10A is on the minus strand). VCF-style: chr3-38697486-C-A. GRCh37 (hg19) VCF-style: chr3-38738977-C-A.
Other names: c.5731G>T, p.Ala1911Ser (NM_001293306.2); c.5440G>T, p.Ala1814Ser (NM_001293307.2); short protein forms A1912S, A1814S, A1911S.
Identifiers: ClinVar variation 1749345 (VCV001749345.5), dbSNP rs766044564, ClinGen allele CA2319613.

ClinVar aggregate classification (germline): Conflicting classifications of pathogenicity. Review status: criteria provided, conflicting classifications (1 of 4 stars). 2 submissions from 2 submitters: Uncertain significance (1); Likely benign (1). Last evaluated 2023-11-12.

Conditions:
Cardiovascular phenotype. Identifiers: MedGen CN230736.
Brugada syndrome. Also called: Sudden Unexplained Death Syndrome; Sudden Unexplained Nocturnal Death Syndrome (SUNDS); Sudden unexpected nocturnal death syndrome; Sudden unexplained nocturnal death syndrome. Identifiers: Orphanet 130, MedGen C1142166, MONDO:0015263.

Allele frequency attached by ClinVar (database versions not stated): gnomAD exomes 0.00001; ExAC 0.00002; gnomAD 0.00003; TOPMed 0.00003.

Submissions (2):

Labcorp Genetics (formerly Invitae), Labcorp
Classification: Uncertain significance for Brugada syndrome. Last evaluated: 2023-11-12. Review status: criteria provided, single submitter. Criteria: Invitae Variant Classification Sherloc (09022015). Collection method: clinical testing. Allele origin: germline.
Comment: This sequence change replaces alanine, which is neutral and non-polar, with serine, which is neutral and polar, at codon 1912 of the SCN10A protein (p.Ala1912Ser). This variant is present in population databases (rs766044564, gnomAD 0.03%). This variant has not been reported in the literature in individuals affected with SCN10A-related conditions. ClinVar contains an entry for this variant (Variation ID: 1749345). Advanced modeling of protein sequence and biophysical properties (such as structural, functional, and spatial information, amino acid conservation, physicochemical variation, residue mobility, and thermodynamic stability) performed at Invitae indicates that this missense variant is not expected to disrupt SCN10A protein function with a negative predictive value of 95%. In summary, the available evidence is currently insufficient to determine the role of this variant in disease. Therefore, it has been classified as a Variant of Uncertain Significance.

Ambry Genetics
Classification: Likely benign for Cardiovascular phenotype. Last evaluated: 2021-01-13. Review status: criteria provided, single submitter. Criteria: Ambry Variant Classification Scheme 2023. Collection method: clinical testing. Allele origin: germline.